The following is an entry in ClinVar:

NM_001382391.1(CSPP1):c.1009G>T (p.Ala337Ser)

Gene: CSPP1 (centrosome and spindle pole associated protein 1; plus strand). Cytogenetic location: 8q13.2.
Variant type: single nucleotide variant.
Coding change: c.1009G>T on transcript NM_001382391.1 (MANE Select); coding-DNA position 1009, G replaced by T.
Protein change: p.Ala337Ser; replaces alanine 337 with serine.
Molecular consequence: missense variant. On other transcripts: intron variant (1).
Genome position (GRCh38, 1-based): chr8:67,103,122, G>T. VCF-style: chr8-67103122-G-T. GRCh37 (hg19) VCF-style: chr8-68015357-G-T.
Other names: c.154G>T, p.Ala52Ser (NM_001291339.2); c.928G>T, p.Ala310Ser (NM_001363131.2, NM_001363133.2); c.1009G>T, p.Ala337Ser (NM_001363132.2); c.1117G>T, p.Ala373Ser (NM_001364869.1); c.1036G>T, p.Ala346Ser (NM_024790.7); c.951-2783G>T (NM_001364870.1); short protein forms A310S, A337S, A346S, A373S, A52S.
Identifiers: ClinVar variation 998452 (VCV000998452.8), dbSNP rs1395802185, ClinGen allele CA371193998.

ClinVar aggregate classification (germline): Uncertain significance (1 of 4 stars; one submission).

Conditions:
Joubert syndrome 21 (JBTS21). Identifiers: MedGen C3810212, MONDO:0014288, OMIM 615636.

Allele frequency attached by ClinVar (database versions not stated): gnomAD exomes below 0.00001; gnomAD 0.00001.
gnomAD v4.1: 3 of 1,588,170 alleles (0.00019%); highest among the groups gnomAD compares: African/African-American, 0.0013%; no homozygotes.

Submission:

Labcorp Genetics (formerly Invitae), Labcorp
Classification: Uncertain significance for Joubert syndrome 21. Last evaluated: 2023-07-10. Review status: criteria provided, single submitter. Criteria: Invitae Variant Classification Sherloc (09022015). Collection method: clinical testing. Allele origin: germline.
Comment: In summary, the available evidence is currently insufficient to determine the role of this variant in disease. Therefore, it has been classified as a Variant of Uncertain Significance. An algorithm developed to predict the effect of missense changes on protein structure and function (PolyPhen-2) suggests that this variant is likely to be tolerated. ClinVar contains an entry for this variant (Variation ID: 998452). This variant has not been reported in the literature in individuals affected with CSPP1-related conditions. The frequency data for this variant in the population databases is considered unreliable, as metrics indicate poor data quality at this position in the gnomAD database. This sequence change replaces alanine, which is neutral and non-polar, with serine, which is neutral and polar, at codon 346 of the CSPP1 protein (p.Ala346Ser).